The following is an entry in ClinVar:

ClinVar aggregate classification (germline): Uncertain significance. Review status: criteria provided, multiple submitters, no conflicts (2 of 4 stars). 6 submissions from 6 submitters: Uncertain significance (6). Last evaluated 2025-05-05.

Conditions:
Familial adenomatous polyposis 1 (FAP1). Also called: FAMILIAL ADENOMATOUS POLYPOSIS 1, ATTENUATED; POLYPOSIS, ADENOMATOUS INTESTINAL. Identifiers: MedGen C2713442, MONDO:0021056, OMIM 175100. Disease mechanism: loss of function.
Hereditary cancer-predisposing syndrome. Also called: Tumor predisposition; Hereditary Cancer Syndrome; Hereditary neoplastic syndrome; Neoplastic Syndromes, Hereditary. Identifiers: Orphanet 140162, MedGen C0027672, MeSH D009386, MONDO:0015356.
Classic or attenuated familial adenomatous polyposis. Identifiers: MedGen CN372698, MONDO:0021057.

Allele frequency attached by ClinVar (database versions not stated): gnomAD exomes below 0.00001; TOPMed below 0.00001.
gnomAD v4.1: 2 of 1,613,786 alleles (0.00012%); highest among the groups gnomAD compares: Admixed American, 0.0033%; no homozygotes.

Submissions (6):

Labcorp Genetics (formerly Invitae), Labcorp
Classification: Uncertain significance for Familial adenomatous polyposis 1. Last evaluated: 2025-05-05. Review status: criteria provided, single submitter. Criteria: Invitae Variant Classification Sherloc (09022015). Collection method: clinical testing. Allele origin: germline.
Comment: This sequence change replaces proline, which is neutral and non-polar, with arginine, which is basic and polar, at codon 2338 of the APC protein (p.Pro2338Arg). This variant is present in population databases (no rsID available, gnomAD 0.003%). This variant has not been reported in the literature in individuals affected with APC-related conditions. ClinVar contains an entry for this variant (Variation ID: 411565). Invitae Evidence Modeling of protein sequence and biophysical properties (such as structural, functional, and spatial information, amino acid conservation, physicochemical variation, residue mobility, and thermodynamic stability) indicates that this missense variant is not expected to disrupt APC protein function with a negative predictive value of 95%. In summary, the available evidence is currently insufficient to determine the role of this variant in disease. Therefore, it has been classified as a Variant of Uncertain Significance.

All of Us Research Program, National Institutes of Health
Classification: Uncertain significance for Classic or attenuated familial adenomatous polyposis. Last evaluated: 2024-08-23. Review status: criteria provided, single submitter. Criteria: ACMG Guidelines, 2015. Collection method: clinical testing. Allele origin: germline. Inheritance: Autosomal dominant inheritance. Observed: 1 variant allele, 1 heterozygote.
Comment: This missense variant replaces proline with arginine at codon 2338 of the APC protein. Computational prediction is inconclusive regarding the impact of this variant on protein structure and function (internally defined REVEL score threshold 0.5 < inconclusive < 0.7, PMID: 27666373). To our knowledge, functional studies have not been reported for this variant. This variant has not been reported in individuals affected with APC-related disorders in the literature. This variant has been identified in 1/250320 chromosomes in the general population by the Genome Aggregation Database (gnomAD). The available evidence is insufficient to determine the role of this variant in disease conclusively. Therefore, this variant is classified as a Variant of Uncertain Significance.

This study involves interpretation of variants in research participants for the purpose of population health screening. Participant phenotype was not available at the time of variant classification. Additional details can be found in publication PMID: 35346344, PMCID: PMC8962531

Ambry Genetics
Classification: Uncertain significance for Hereditary cancer-predisposing syndrome. Last evaluated: 2024-07-06. Review status: criteria provided, single submitter. Criteria: Ambry Variant Classification Scheme 2023. Collection method: clinical testing. Allele origin: germline.
Comment: The p.P2338R variant (also known as c.7013C>G), located in coding exon 15 of the APC gene, results from a C to G substitution at nucleotide position 7013. The proline at codon 2338 is replaced by arginine, an amino acid with dissimilar properties. This amino acid position is well conserved in available vertebrate species. In addition, in silico predictors for this gene do not accurately predict pathogenicity. Since supporting evidence is limited at this time, the clinical significance of this alteration remains unclear.

Women's Health and Genetics/Laboratory Corporation of America, LabCorp
Classification: Uncertain significance. Last evaluated: 2024-02-29. Review status: criteria provided, single submitter. Criteria: LabCorp Variant Classification Summary - May 2015. Collection method: clinical testing. Allele origin: germline.

GeneDx
Classification: Uncertain significance. Last evaluated: 2022-01-20. Review status: criteria provided, single submitter. Criteria: GeneDx Variant Classification Process June 2021. Collection method: clinical testing. Allele origin: germline. Affected: yes.
Comment: Not observed at significant frequency in large population cohorts (gnomAD); In silico analysis supports that this missense variant does not alter protein structure/function; Has not been previously published as pathogenic or benign to our knowledge

Sema4
Classification: Uncertain significance for Hereditary cancer-predisposing syndrome. Last evaluated: 2021-12-16. Review status: criteria provided, single submitter. Criteria: Sema4 Curation Guidelines. Collection method: curation. Allele origin: germline.
Comment: The APC c.7013C>G (p.P2338R) variant has not been reported in the literature to our knowledge. It was observed in 1/34556 chromosomes in the Latino subpopulation in the large and broad cohorts of the Genome Aggregation Database (PMID: 32461654). This variant has been reported in ClinVar (Variation ID: 411565). Functional studies have not been performed, and in silico predictions of the variant's effect on protein function are inconclusive. The evidence is insufficient to meet ACMG/AMP criteria for classifying the variant as benign or pathogenic. Thus, the clinical significance of this variant is currently uncertain.

NM_000038.6(APC):c.7013C>G (p.Pro2338Arg)

Gene: APC (APC regulator of Wnt signaling pathway; plus strand). Cytogenetic location: 5q22.2.
Variant type: single nucleotide variant.
Coding change: c.7013C>G on transcript NM_000038.6 (MANE Select); coding-DNA position 7013, C replaced by G.
Protein change: p.Pro2338Arg; replaces proline 2338 with arginine.
Molecular consequence: missense variant.
Genome position (GRCh38, 1-based): chr5:112,842,607, C>G. VCF-style: chr5-112842607-C-G. GRCh37 (hg19) VCF-style: chr5-112178304-C-G.
Other names: c.7013C>G, p.Pro2338Arg (NM_001127510.3, NM_001354895.2); c.6959C>G, p.Pro2320Arg (NM_001127511.3); c.7067C>G, p.Pro2356Arg (NM_001354896.2); c.7043C>G, p.Pro2348Arg (NM_001354897.2); c.6938C>G, p.Pro2313Arg (NM_001354898.2); c.6929C>G, p.Pro2310Arg (NM_001354899.2); c.6890C>G, p.Pro2297Arg (NM_001354900.2); c.6836C>G, p.Pro2279Arg (NM_001354901.2); and 5 more; short protein forms P2320R, P2338R, P2055R, P2297R, P2348R, P2237R, P2279R, P2310R.
Identifiers: ClinVar variation 411565 (VCV000411565.19), dbSNP rs1060503377, ClinGen allele CA16036620.